The following is an entry in ClinVar:

ClinVar aggregate classification (germline): Uncertain significance. Review status: reviewed by expert panel (3 of 4 stars). 2 submissions from 2 submitters: Uncertain significance (1). 1 of the submissions does not count toward it. Last evaluated 2025-08-01.

Conditions:
Malignant hyperthermia of anesthesia. Also called: Anesthesic-triggered malignant hyperthermia. Identifiers: Orphanet 423, MedGen C0024591, MONDO:0018493, HP:0034733.

Allele frequency attached by ClinVar (database versions not stated): gnomAD exomes below 0.00001.
gnomAD v4.1: 2 of 1,614,110 alleles (0.00012%); highest among the groups gnomAD compares: Non-Finnish European, 0.00017%; no homozygotes.

Submissions (2):

ClinGen Malignant Hyperthermia Susceptibility Variant Curation Expert Panel, ClinGen
Classification: Uncertain significance for Malignant hyperthermia of anesthesia. Last evaluated: 2025-08-01. Review status: reviewed by expert panel. Criteria: ClinGen MHS ACMG Specifications V2. Collection method: curation. Allele origin: germline. Inheritance: Autosomal dominant inheritance.
Comment: This pathogenicity assessment is relevant only for malignant hyperthermia susceptibility (MHS) inherited in an autosomal dominant pattern. Variants in RYR1 can also cause other myopathies inherited in an autosomal dominant pattern or in an autosomal recessive pattern. Some of these disorders may predispose individuals to malignant hyperthermia. RYR1 variants may also contribute to a malignant hyperthermia reaction in combination with other genetic and non-genetic factors and the clinician needs to consider such factors in making management decisions. This sequence variant predicts a substitution of glycine with aspartic acid at codon 2733 of the RYR1 protein, p.(Gly2733Asp). This variant was not present in a large population database (gnomAD) at the time this variant was interpreted. This variant has been reported in two unrelated individuals who have a personal or family history of a malignant hyperthermia reaction, both of these individuals had a positive in vitro contracture test (IVCT) or caffeine halothane contracture test (CHCT) result (if the proband was unavailable for testing, a positive diagnostic test result in a mutation-positive relative was counted), PS4_Moderate (PMID:15731587, PMID:30236257). No functional studies were identified for this variant. This variant does not reside in a hotspot for pathogenic variants that contribute to MHS. A REVEL score >0.85 (0.923) supports a pathogenic status for this variant, PP3_Moderate. This variant has been classified as a Variant of Unknown Significance. Criteria implemented: PS4_Moderate, PP3_Moderate.

RYR1 database
No classification provided. Review status: no classification provided. Collection method: not provided. Allele origin: unknown. Not counted in ClinVar's aggregate classification.

NM_000540.3(RYR1):c.8198G>A (p.Gly2733Asp)

Gene: RYR1 (ryanodine receptor 1; plus strand). Cytogenetic location: 19q13.2.
Variant type: single nucleotide variant.
Coding change: c.8198G>A on transcript NM_000540.3 (MANE Select); coding-DNA position 8198, G replaced by A.
Protein change: p.Gly2733Asp; replaces glycine 2733 with aspartic acid.
Molecular consequence: missense variant.
Genome position (GRCh38, 1-based): chr19:38,504,878, G>A. VCF-style: chr19-38504878-G-A. GRCh37 (hg19) VCF-style: chr19-38995518-G-A.
Other names: NM_000540.2(RYR1):c.8198G>A; c.8198G>A, p.Gly2733Asp (NM_001042723.2); short protein forms G2733D.
Identifiers: ClinVar variation 133220 (VCV000133220.4), dbSNP rs193922828, ClinGen allele CA024901.